The following is an entry in ClinVar:

NM_030923.5(TMEM163):c.668G>T (p.Gly223Val)

Gene: TMEM163 (transmembrane protein 163; minus strand). Cytogenetic location: 2q21.3.
Variant type: single nucleotide variant.
Coding change: c.668G>T on transcript NM_030923.5 (MANE Select); coding-DNA position 668, G replaced by T.
Protein change: p.Gly223Val; replaces glycine 223 with valine.
Molecular consequence: missense variant.
Genome position (GRCh38, 1-based): chr2:134,458,173, C>A on the plus strand (G>T on the coding strand, the complement: TMEM163 is on the minus strand). VCF-style: chr2-134458173-C-A. GRCh37 (hg19) VCF-style: chr2-135215744-C-A.
Other names: short protein forms G223V.
Identifiers: ClinVar variation 4293342 (VCV004293342.1).

ClinVar aggregate classification (germline): Uncertain significance (1 of 4 stars; one submission).

Conditions:
Leukodystrophy, hypomyelinating, 25 (HLD25). Identifiers: MedGen C5830275, MONDO:0859378, OMIM 620243.

Submission:

3billion
Classification: Uncertain significance for Leukodystrophy, hypomyelinating, 25. Last evaluated: 2024-10-31. Review status: criteria provided, single submitter. Criteria: ACMG Guidelines, 2015. Collection method: clinical testing. Allele origin: germline. Affected: yes.
Comment: The variant is not observed in the gnomAD v4.1.0 dataset. Predicted Consequence/Location: Missense variant. Missense changes are a common disease-causing mechanism. In silico tool predictions suggest damaging effect of the variant on gene or gene product [REVEL: 0.61 (>=0.6, sensitivity 0.68 and specificity 0.92); 3Cnet: 0.87 (>=0.6, sensitivity 0.72 and precision 0.9)]. Therefore, this variant is classified as VUS according to the recommendation of ACMG/AMP guideline.